The following is an entry in ClinVar:

ClinVar aggregate classification (germline): other (0 of 4 stars; one submission).

Conditions:
Familial colorectal cancer. Identifiers: MedGen CN280943, MONDO:0023113. Disease mechanism: loss of function.

Submission:

Systems Biology Platform Zhejiang California International NanoSystems Institute
Classification: other for Familial colorectal cancer. Review status: no assertion criteria provided. Collection method: not provided. Allele origin: unknown.
ClinVar note: Converted during submission from cancer to other.

NC_000005.10:g.112850835G>A

Variant type: single nucleotide variant.
Genome position: GRCh38 VCF-style: chr5-112850835-G-A. GRCh37 (hg19) VCF-style: chr5-112186532-G-A.
Identifiers: ClinVar variation 82669 (VCV000082669.3), dbSNP rs79881752, ClinGen allele CA250809.